The following is an entry in ClinVar:

NM_013447.4(ADGRE2):c.2113G>C (p.Val705Leu)

Gene: ADGRE2 (adhesion G protein-coupled receptor E2; minus strand). Cytogenetic location: 19p13.12.
Variant type: single nucleotide variant.
Coding change: c.2113G>C on transcript NM_013447.4 (MANE Select); coding-DNA position 2113, G replaced by C.
Protein change: p.Val705Leu; replaces valine 705 with leucine.
Molecular consequence: missense variant.
Genome position (GRCh38, 1-based): chr19:14,746,302, C>G on the plus strand (G>C on the coding strand, the complement: ADGRE2 is on the minus strand). VCF-style: chr19-14746302-C-G. GRCh37 (hg19) VCF-style: chr19-14857114-C-G.
Other names: c.2113G>C (NM_013447.2, NM_013447.3); c.1939G>C, p.Val647Leu (NM_001271052.1); c.1966G>C, p.Val656Leu (NM_152916.2); c.1834G>C, p.Val612Leu (NM_152917.2); short protein forms V612L, V656L, V705L, V647L.
Identifiers: ClinVar variation 2043690 (VCV002043690.7), dbSNP rs147387582, ClinGen allele CA9257462.

ClinVar aggregate classification (germline): Conflicting classifications of pathogenicity. Review status: criteria provided, conflicting classifications (1 of 4 stars). 3 submissions from 3 submitters: Uncertain significance (1); Likely benign (1). 1 of the submissions does not count toward it. Last evaluated 2026-02-02.

Conditions:
ADGRE2-related disorder. Also called: ADGRE2-related condition.

Allele frequency attached by ClinVar (database versions not stated): gnomAD exomes 0.00029; ExAC 0.00068; 1000 Genomes Project 30x 0.00141; 1000 Genomes Project 0.00160; gnomAD 0.00189; TOPMed 0.00219; ESP Exome Variant Server 0.00231.

Submissions (3):

Labcorp Genetics (formerly Invitae), Labcorp
Classification: Likely benign. Last evaluated: 2026-02-02. Review status: criteria provided, single submitter. Criteria: Invitae Variant Classification Sherloc (09022015). Collection method: clinical testing. Allele origin: germline.

Ambry Genetics
Classification: Uncertain significance. Last evaluated: 2025-07-31. Review status: criteria provided, single submitter. Criteria: Ambry Variant Classification Scheme 2023. Collection method: clinical testing. Allele origin: germline.

PreventionGenetics, part of Exact Sciences
Classification: Benign for ADGRE2-related condition. Last evaluated: 2020-07-14. Review status: no assertion criteria provided. Collection method: clinical testing. Allele origin: germline. Not counted in ClinVar's aggregate classification.
Comment: This variant is classified as benign based on ACMG/AMP sequence variant interpretation guidelines (Richards et al. 2015 PMID: 25741868, with internal and published modifications).